The following is an entry in ClinVar:

ClinVar aggregate classification (germline): Likely pathogenic (1 of 4 stars; one submission).

Conditions:
Rubinstein-Taybi syndrome due to EP300 haploinsufficiency. Also called: RUBINSTEIN-TAYBI SYNDROME 2; EP300-Related Rubinstein-Taybi Syndrome. Identifiers: Orphanet 353284, Orphanet 783, MedGen C3150941, MONDO:0013364, OMIM 613684.

Submission:

Dasa
Classification: Likely pathogenic for Rubinstein-Taybi syndrome due to EP300 haploinsufficiency. Last evaluated: 2026-02-09. Review status: criteria provided, single submitter. Criteria: DASA Assertion Criteria. Collection method: clinical testing. Allele origin: germline.
Comment: NM_001429.4(EP300):c.3261+1_3261+2dup is a splice-region variant predicted to affect normal RNA splicing. This variant is absent from population databases. Based on the currently available evidence, this variant is classified as likely pathogenic.

NM_001429.4(EP300):c.3261+1_3261+2dup

Gene: EP300 (EP300 lysine acetyltransferase; plus strand). Cytogenetic location: 22q13.2.
Variant type: Duplication.
Coding change: c.3261+1_3261+2dup on transcript NM_001429.4 (MANE Select); the canonical splice donor site of the intron after coding-DNA position 3261, 2 bases duplicated (GT; older notation c.3261+1_3261+2dupGT).
Molecular consequence: splice donor variant.
Genome position (GRCh38, 1-based): chr22:41,155,114-41,155,115, GT duplicated; duplicating any 2 consecutive bases within chr22:41,155,113-41,155,115 gives the same sequence; the c. name uses the placement nearest the transcript's 3' end. VCF-style (leftmost placement, unchanged base first): chr22-41155112-C-CTG. GRCh37 (hg19) VCF-style: chr22-41551116-C-CTG.
Other names: c.3183+1_3183+2dup (NM_001362843.2).
Identifiers: ClinVar variation 4880725 (VCV004880725.2).